The following is an entry in ClinVar:

ClinVar aggregate classification (germline): Uncertain significance (1 of 4 stars; one submission).

Conditions:
Hereditary cancer-predisposing syndrome. Also called: Neoplastic Syndromes, Hereditary; Tumor predisposition; Hereditary neoplastic syndrome; Hereditary Cancer Syndrome. Identifiers: Orphanet 140162, MedGen C0027672, MeSH D009386, MONDO:0015356.

Submission:

Ambry Genetics
Classification: Uncertain significance for Hereditary cancer-predisposing syndrome. Last evaluated: 2026-08-03. Review status: criteria provided, single submitter. Criteria: Ambry Variant Classification Scheme 2023. Collection method: clinical testing. Allele origin: germline.
Comment: The p.L1291F variant (also known as c.3871C>T), located in coding exon 19 of the MET gene, results from a C to T substitution at nucleotide position 3871. The leucine at codon 1291 is replaced by phenylalanine, an amino acid with highly similar properties. This amino acid position is conserved. In addition, this alteration is predicted to be deleterious by in silico analysis. Based on the available evidence, the clinical significance of this variant remains unclear.

NM_000245.4(MET):c.3817C>T (p.Leu1273Phe)

Gene: MET (MET proto-oncogene, receptor tyrosine kinase; plus strand). Cytogenetic location: 7q31.2.
Variant type: single nucleotide variant.
Coding change: c.3817C>T on transcript NM_000245.4 (MANE Select); coding-DNA position 3817, C replaced by T.
Protein change: p.Leu1273Phe; replaces leucine 1273 with phenylalanine.
Molecular consequence: missense variant.
Genome position (GRCh38, 1-based): chr7:116,795,673, C>T. VCF-style: chr7-116795673-C-T. GRCh37 (hg19) VCF-style: chr7-116435727-C-T.
Other names: c.3871C>T, p.Leu1291Phe (NM_001127500.3); c.2527C>T, p.Leu843Phe (NM_001324402.2); short protein forms L1291F, L843F, L1273F.
Identifiers: ClinVar variation 5024314 (VCV005024314.1).